The following is an entry in ClinVar:

ClinVar aggregate classification (germline): Uncertain significance. Review status: criteria provided, multiple submitters, no conflicts (2 of 4 stars). 2 submissions from 2 submitters: Uncertain significance (2). Last evaluated 2024-01-21.

Conditions:
Hereditary cancer-predisposing syndrome. Also called: Hereditary neoplastic syndrome; Tumor predisposition; Neoplastic Syndromes, Hereditary; Hereditary Cancer Syndrome. Identifiers: Orphanet 140162, MedGen C0027672, MeSH D009386, MONDO:0015356.
Cardiovascular phenotype. Identifiers: MedGen CN230736.
Neurofibromatosis, type 1 (NF1). Also called: Peripheral type neurofibromatosis; VON RECKLINGHAUSEN DISEASE; NEUROFIBROMATOSIS, TYPE I, SOMATIC; Neurofibromatosis, type I. Identifiers: Orphanet 636, MedGen C0027831, MONDO:0018975, OMIM 162200. Disease mechanism: loss of function.

Allele frequency attached by ClinVar (database versions not stated): gnomAD exomes below 0.00001.

Submissions (2):

Ambry Genetics
Classification: Uncertain significance for Cardiovascular phenotype; Hereditary cancer-predisposing syndrome. Last evaluated: 2024-01-21. Review status: criteria provided, single submitter. Criteria: Ambry Variant Classification Scheme 2023. Collection method: clinical testing. Allele origin: germline.
Comment: The p.K1823R variant (also known as c.5468A>G), located in coding exon 37 of the NF1 gene, results from an A to G substitution at nucleotide position 5468. The lysine at codon 1823 is replaced by arginine, an amino acid with highly similar properties. This amino acid position is conserved. In addition, the in silico prediction for this alteration is inconclusive. Based on the available evidence, the clinical significance of this alteration remains unclear.

Labcorp Genetics (formerly Invitae), Labcorp
Classification: Uncertain significance for Neurofibromatosis, type 1. Last evaluated: 2021-03-20. Review status: criteria provided, single submitter. Criteria: Invitae Variant Classification Sherloc (09022015). Collection method: clinical testing. Allele origin: germline.
Comment: In summary, the available evidence is currently insufficient to determine the role of this variant in disease. Therefore, it has been classified as a Variant of Uncertain Significance. Algorithms developed to predict the effect of sequence changes on RNA splicing suggest that this variant may create or strengthen a splice site, but this prediction has not been confirmed by published transcriptional studies. Algorithms developed to predict the effect of missense changes on protein structure and function are either unavailable or do not agree on the potential impact of this missense change (SIFT: "Tolerated"; PolyPhen-2: "Probably Damaging"; Align-GVGD: "Class C0"). This sequence change replaces lysine with arginine at codon 1823 of the NF1 protein (p.Lys1823Arg). The lysine residue is moderately conserved and there is a small physicochemical difference between lysine and arginine. This variant is not present in population databases (ExAC no frequency). This variant has not been reported in the literature in individuals with NF1-related conditions.

NM_001042492.3(NF1):c.5531A>G (p.Lys1844Arg)

Gene: NF1 (neurofibromin 1; plus strand). Cytogenetic location: 17q11.2.
Variant type: single nucleotide variant.
Coding change: c.5531A>G on transcript NM_001042492.3 (MANE Select); coding-DNA position 5531, A replaced by G.
Protein change: p.Lys1844Arg; replaces lysine 1844 with arginine.
Molecular consequence: missense variant.
Genome position (GRCh38, 1-based): chr17:31,327,761, A>G. VCF-style: chr17-31327761-A-G. GRCh37 (hg19) VCF-style: chr17-29654779-A-G.
Other names: c.5468A>G, p.Lys1823Arg (NM_000267.4); short protein forms K1823R, K1844R.
Identifiers: ClinVar variation 962955 (VCV000962955.7), dbSNP rs2069383981, ClinGen allele CA399009777.